The following is an entry in ClinVar:

ClinVar aggregate classification (germline): Uncertain significance (1 of 4 stars; one submission).

gnomAD v4.1: 1 of 1,608,412 alleles (0.000062%); highest among the groups gnomAD compares: Non-Finnish European, 0.000085%; no homozygotes.

Submission:

Labcorp Genetics (formerly Invitae), Labcorp
Classification: Uncertain significance. Last evaluated: 2021-07-17. Review status: criteria provided, single submitter. Criteria: Invitae Variant Classification Sherloc (09022015). Collection method: clinical testing. Allele origin: germline.
Comment: In summary, the available evidence is currently insufficient to determine the role of this variant in disease. Therefore, it has been classified as a Variant of Uncertain Significance. Algorithms developed to predict the effect of missense changes on protein structure and function are either unavailable or do not agree on the potential impact of this missense change (SIFT: "Deleterious"; PolyPhen-2: "Benign"; Align-GVGD: "Class C0"). This variant has not been reported in the literature in individuals affected with CTNNA1-related conditions. This variant is not present in population databases (ExAC no frequency). This sequence change replaces threonine with isoleucine at codon 34 of the CTNNA1 protein (p.Thr34Ile). The threonine residue is highly conserved and there is a moderate physicochemical difference between threonine and isoleucine.

NM_001903.5(CTNNA1):c.101C>T (p.Thr34Ile)

Gene: CTNNA1 (catenin alpha 1; plus strand). Cytogenetic location: 5q31.2.
Variant type: single nucleotide variant.
Coding change: c.101C>T on transcript NM_001903.5 (MANE Select); coding-DNA position 101, C replaced by T.
Protein change: p.Thr34Ile; replaces threonine 34 with isoleucine.
Molecular consequence: missense variant. On other transcripts: 5 prime UTR variant (2).
Genome position (GRCh38, 1-based): chr5:138,782,025, C>T. VCF-style: chr5-138782025-C-T. GRCh37 (hg19) VCF-style: chr5-138117714-C-T.
Other names: c.101C>T, p.Thr34Ile (NM_001290307.3, NM_001323982.2, NM_001323983.1 and 3 more transcripts); c.-13C>T (NM_001290309.3); c.-106C>T (NM_001290310.3); short protein forms T34I.
Identifiers: ClinVar variation 1470712 (VCV001470712.8), dbSNP rs2149652103, ClinGen allele CA361477237.